The following is an entry in ClinVar:

ClinVar aggregate classification (germline): Uncertain significance (1 of 4 stars; one submission).

Submission:

CeGaT Center for Human Genetics Tuebingen
Classification: Uncertain significance. Last evaluated: 2023-08-01. Review status: criteria provided, single submitter. Criteria: CeGaT Center For Human Genetics Tuebingen Variant Classification Criteria Version 2. Collection method: clinical testing. Allele origin: germline. Affected: yes. Observed: 1 variant allele.
Comment: DCHS1: PM2

NM_003737.4(DCHS1):c.598G>C (p.Asp200His)

Gene: DCHS1 (dachsous cadherin-related 1; minus strand). Cytogenetic location: 11p15.4.
Variant type: single nucleotide variant.
Coding change: c.598G>C on transcript NM_003737.4 (MANE Select); coding-DNA position 598, G replaced by C.
Protein change: p.Asp200His; replaces aspartic acid 200 with histidine.
Molecular consequence: missense variant.
Genome position (GRCh38, 1-based): chr11:6,641,016, C>G on the plus strand (G>C on the coding strand, the complement: DCHS1 is on the minus strand). VCF-style: chr11-6641016-C-G. GRCh37 (hg19) VCF-style: chr11-6662247-C-G.
Other names: short protein forms D200H.
Identifiers: ClinVar variation 2641570 (VCV002641570.24), dbSNP rs2493842931, ClinGen allele CA379441684.